The following is an entry in ClinVar:

ClinVar aggregate classification (germline): Uncertain significance (1 of 4 stars; one submission).

Conditions:
Sialuria. Also called: Sialic Acid Storage Disease; SIALURIA, FRENCH TYPE. Identifiers: Orphanet 3166, MedGen C0342853, MONDO:0010028, OMIM 269921.
GNE myopathy (NM). Also called: INCLUSION BODY MYOPATHY 2, AUTOSOMAL RECESSIVE; INCLUSION BODY MYOPATHY, HEREDITARY, AUTOSOMAL RECESSIVE; MYOPATHY, DISTAL, WITH OR WITHOUT RIMMED VACUOLES; IBM 2; Inclusion body myopathy autosomal recessive; Inclusion body myopathy quadriceps sparing. Identifiers: Orphanet 602, MedGen C1853926, MONDO:0011603, OMIM 605820.

Submission:

Labcorp Genetics (formerly Invitae), Labcorp
Classification: Uncertain significance for Sialuria; GNE myopathy. Last evaluated: 2025-04-02. Review status: criteria provided, single submitter. Criteria: Invitae Variant Classification Sherloc (09022015). Collection method: clinical testing. Allele origin: germline.
Comment: This sequence change falls in intron 3 of the GNE gene. It does not directly change the encoded amino acid sequence of the GNE protein. It affects a nucleotide within the consensus splice site. This variant is not present in population databases (gnomAD no frequency). This variant has not been reported in the literature in individuals affected with GNE-related conditions. ClinVar contains an entry for this variant (Variation ID: 3748701). Variants that disrupt the consensus splice site are a relatively common cause of aberrant splicing (PMID: 17576681, 9536098). Algorithms developed to predict the effect of sequence changes on RNA splicing suggest that this variant is not likely to affect RNA splicing. In summary, the available evidence is currently insufficient to determine the role of this variant in disease. Therefore, it has been classified as a Variant of Uncertain Significance.

Literature cited by the submitters: PubMed 17576681; PubMed 9536098.

NM_005476.7(GNE):c.616+3A>G

Gene: GNE (glucosamine (UDP-N-acetyl)-2-epimerase/N-acetylmannosamine kinase; minus strand). Cytogenetic location: 9p13.3.
Variant type: single nucleotide variant.
Coding change: c.616+3A>G on transcript NM_005476.7 (MANE Select); 3 bases into the intron after coding-DNA position 616, A replaced by G.
Molecular consequence: intron variant.
Genome position (GRCh38, 1-based): chr9:36,246,028, T>C on the plus strand (A>G on the coding strand, the complement: GNE is on the minus strand). VCF-style: chr9-36246028-T-C. GRCh37 (hg19) VCF-style: chr9-36246025-T-C.
Other names: c.439+3A>G (NM_001190388.2, NM_001190384.3, NM_001374798.1); c.709+3A>G (NM_001128227.3); c.616+3A>G (NM_001374797.1, NM_001190383.3).
Identifiers: ClinVar variation 3748701 (VCV003748701.2).